The following is an entry in ClinVar:

NM_001099857.5(IKBKG):c.768+5G>T

Gene: IKBKG (inhibitor of nuclear factor kappa B kinase regulatory subunit gamma; plus strand). Cytogenetic location: Xq28.
Variant type: single nucleotide variant.
Coding change: c.768+5G>T on transcript NM_001099857.5 (MANE Select); 5 bases into the intron after coding-DNA position 768, G replaced by T.
Molecular consequence: intron variant.
Genome position (GRCh38, 1-based): chrX:154,561,789, G>T. VCF-style: chrX-154561789-G-T. GRCh37 (hg19) VCF-style: chrX-153790004-G-T.
Other names: c.768+5G>T (NM_001377312.1, NM_001321396.3, NM_003639.4); c.765+5G>T (NM_001377313.1, NM_001321397.3); c.972+5G>T (NM_001099856.6); c.615+5G>T (NM_001145255.4); c.612+5G>T (NM_001377314.1); c.400-1021G>T (NM_001377315.1).
Identifiers: ClinVar variation 4974478 (VCV004974478.2).

ClinVar aggregate classification (germline): Likely pathogenic (1 of 4 stars; one submission).

Conditions:
Incontinentia pigmenti syndrome (IP). Also called: BLOCH-SULZBERGER SYNDROME; INCONTINENTIA PIGMENTI, FAMILIAL MALE-LETHAL TYPE; INCONTINENTIA PIGMENTI, TYPE II; Incontinentia Pigmenti. Identifiers: Orphanet 464, MedGen C0021171, MONDO:0010631, OMIM 308300.

Submission:

Lupski Lab, Baylor-Hopkins CMG, Baylor College of Medicine
Classification: Likely pathogenic for Incontinentia pigmenti syndrome. Last evaluated: 2026-06-05. Review status: criteria provided, single submitter. Criteria: ACMG Guidelines, 2015. Collection method: research. Allele origin: maternal, germline. Inheritance: X-linked inheritance. Affected: yes. Observed: 3 variant alleles, 3 heterozygotes. Clinical features observed: Retinal disorder (HP:0000488), Seborrheic dermatitis (HP:0001051), Urticaria (HP:0001025), Nevus (HP:0003764), Abnormal toenail morphology (HP:0008388), Abnormal fingernail morphology (HP:0001231), Hypodontia (HP:0000668), Small, conical teeth (HP:0200141), Abnormal dental morphology (HP:0006482), Abnormal sweat gland morphology (HP:0000971), Heat intolerance (HP:0002046), Delayed speech and language development (HP:0000750), and 20 more. Segregation with disease observed.
Comment: This c.768+5G>T variant segregates with Incontinentia Pigmenti across 2 generations (PP1_Supporting = +1 pt). It is absent in gnomAD, although the region has low coverage due to repetitive sequence (PM2_Supporting = +1 pt). In silico predictions support loss of the exon 6 donor site (SpliceAI donor loss = [0.98]; Pangolin = [0.86]), applied at Supporting strength per ClinGen SVI splicing recommendations (PP3_Supporting = +1 pt). A different nucleotide change at the same position, c.768+5G>A, is classified as Pathogenic [ClinVar VCV000011462.6] and has been shown by RT-PCR of patient fibroblast RNA to cause aberrant splicing (PMID: 34815879, PMID: 28679735, Orstavik et al., 2006); the two variants have comparable predicted effects on the same donor site (SpliceAI donor loss [0.98] vs. [0.98]) (PS1 = +4 pts). A minigene splicing assay showed exon 6 skipping and exon 6 elongation (320 bp), both predicted to cause a frameshift; because the relative proportion of aberrant to normal transcript could not be quantified, this result is reported as supporting data but was not scored. 7 pts (PP1 +1, PM2 +1, PP3 +1, PS1 +4) = Likely Pathogenic.

Literature cited by the submitters: PubMed 34815879; PubMed 28679735.